The following is an entry in ClinVar:

ClinVar aggregate classification (germline): Benign. Review status: criteria provided, multiple submitters, no conflicts (2 of 4 stars). 2 submissions from 2 submitters: Benign (2). Last evaluated 2018-06-16.

Allele frequency attached by ClinVar (database versions not stated): 1000 Genomes Project 30x 0.08136; 1000 Genomes Project 0.08267; TOPMed 0.09409; gnomAD 0.09768 and 0.09783; gnomAD exomes 0.10565.
gnomAD v4.1: 168,846 of 1,609,302 alleles (10%); highest among the groups gnomAD compares: South Asian, 11%; 9,444 homozygotes.

Submissions (2):

GeneDx
Classification: Benign. Last evaluated: 2018-06-16. Review status: criteria provided, single submitter. Criteria: GeneDx Variant Classification (06012015). Collection method: clinical testing. Allele origin: germline. Affected: yes.
Comment: This variant is considered likely benign or benign based on one or more of the following criteria: it is a conservative change, it occurs at a poorly conserved position in the protein, it is predicted to be benign by multiple in silico algorithms, and/or has population frequency not consistent with disease.

Breakthrough Genomics
Classification: Benign. Review status: criteria provided, single submitter. Criteria: ACMG Guidelines, 2015. Collection method: not provided. Allele origin: germline. Inheritance: Autosomal dominant inheritance. Affected: yes.

NM_003072.5(SMARCA4):c.1813-54T>C

Gene: SMARCA4 (SWI/SNF related BAF chromatin remodeling complex subunit ATPase 4; plus strand). Cytogenetic location: 19p13.2.
Variant type: single nucleotide variant.
Coding change: c.1813-54T>C on transcript NM_003072.5 (MANE Select); 54 bases into the intron before coding-DNA position 1813, T replaced by C.
Molecular consequence: intron variant.
Genome position (GRCh38, 1-based): chr19:11,002,975, T>C. VCF-style: chr19-11002975-T-C. GRCh37 (hg19) VCF-style: chr19-11113651-T-C.
Other names: c.1813-54T>C (NM_001128844.3, NM_001128849.3, NM_001128847.4 and 5 more transcripts).
Identifiers: ClinVar variation 676513 (VCV000676513.2), dbSNP rs17001078, ClinGen allele CA305256070.